The following is an entry in ClinVar:

ClinVar aggregate classification (germline): Uncertain significance (1 of 4 stars; one submission).

Conditions:
Early-infantile DEE. Also called: Early infantile epileptic encephalopathy; Ohtahara syndrome; Early infantile epileptic encephalopathy with suppression bursts. Identifiers: Orphanet 1934, MedGen C0393706, MONDO:0800491.

Submission:

Labcorp Genetics (formerly Invitae), Labcorp
Classification: Uncertain significance for Early-infantile DEE. Last evaluated: 2022-05-08. Review status: criteria provided, single submitter. Criteria: Invitae Variant Classification Sherloc (09022015). Collection method: clinical testing. Allele origin: germline.
Comment: In summary, the available evidence is currently insufficient to determine the role of this variant in disease. Therefore, it has been classified as a Variant of Uncertain Significance. Algorithms developed to predict the effect of missense changes on protein structure and function (SIFT, PolyPhen-2, Align-GVGD) all suggest that this variant is likely to be disruptive. This variant has not been reported in the literature in individuals affected with KCNH5-related conditions. This variant is not present in population databases (gnomAD no frequency). This sequence change replaces aspartic acid, which is acidic and polar, with glutamic acid, which is acidic and polar, at codon 255 of the KCNH5 protein (p.Asp255Glu).

NM_139318.5(KCNH5):c.765C>A (p.Asp255Glu)

Gene: KCNH5 (potassium voltage-gated channel subfamily H member 5; minus strand). Cytogenetic location: 14q23.2.
Variant type: single nucleotide variant.
Coding change: c.765C>A on transcript NM_139318.5 (MANE Select); coding-DNA position 765, C replaced by A.
Protein change: p.Asp255Glu; replaces aspartic acid 255 with glutamic acid.
Molecular consequence: missense variant.
Genome position (GRCh38, 1-based): chr14:62,981,049, G>T on the plus strand (C>A on the coding strand, the complement: KCNH5 is on the minus strand). VCF-style: chr14-62981049-G-T. GRCh37 (hg19) VCF-style: chr14-63447767-G-T.
Other names: c.765C>A, p.Asp255Glu (NM_172375.3); short protein forms D255E.
Identifiers: ClinVar variation 2135475 (VCV002135475.4), dbSNP rs150295358, ClinGen allele CA390104183.
Genomic context (GRCh38, chr14:62,981,049, plus strand): 5'-TCCACCGGGCCCCACGAAAGTCGTGTGAAAATTTAAAACGATGTCAACCAGAAAAATAAC[G>T]TCCACCACACTATCCAGTACCAGCCAGGCTATGTTGTTCTGCTTTGTTTTGAAGGAAACA-3'
Protein context (NP_647479.2, residues 245-265): IAWLVLDSVV[Asp255Glu]VIFLVDIVLN